The following is an entry in ClinVar:

ClinVar aggregate classification (germline): Uncertain significance. Review status: criteria provided, multiple submitters, no conflicts (2 of 4 stars). 3 submissions from 3 submitters: Uncertain significance (3). Last evaluated 2023-05-23.

Conditions:
Inborn genetic diseases. Identifiers: MedGen C0950123, MeSH D030342.
Hajdu-Cheney syndrome (HJCYS). Also called: Acroosteolysis dominant type; SERPENTINE FIBULA-POLYCYSTIC KIDNEY SYNDROME; ACROOSTEOLYSIS WITH OSTEOPOROSIS AND CHANGES IN SKULL AND MANDIBLE. Identifiers: Orphanet 955, MedGen C0917715, MONDO:0007057, OMIM 102500.

Allele frequency attached by ClinVar (database versions not stated): gnomAD 0.00001 and 0.00002; TOPMed 0.00002.
gnomAD v4.1: 3 of 1,614,050 alleles (0.00019%); highest among the groups gnomAD compares: African/African-American, 0.0027%; no homozygotes.

Submissions (3):

Ambry Genetics
Classification: Uncertain significance for Inborn genetic diseases. Last evaluated: 2023-05-23. Review status: criteria provided, single submitter. Criteria: Ambry Variant Classification Scheme 2023. Collection method: clinical testing. Allele origin: germline.

Labcorp Genetics (formerly Invitae), Labcorp
Classification: Uncertain significance for Hajdu-Cheney syndrome. Last evaluated: 2017-08-03. Review status: criteria provided, single submitter. Criteria: Invitae Variant Classification Sherloc (09022015). Collection method: clinical testing. Allele origin: germline.
Comment: In summary, the available evidence is currently insufficient to determine the role of this variant in disease. Therefore, it has been classified as a Variant of Uncertain Significance. Algorithms developed to predict the effect of missense changes on protein structure and function (SIFT, PolyPhen-2, Align-GVGD) all suggest that this variant is likely to be disruptive, but these predictions have not been confirmed by published functional studies and their clinical significance is uncertain. This variant has not been reported in the literature in individuals with NOTCH2-related disease. This variant is not present in population databases (ExAC no frequency). This sequence change replaces leucine with valine at codon 1547 of the NOTCH2 protein (p.Leu1547Val). The leucine residue is highly conserved and there is a small physicochemical difference between leucine and valine.

Eurofins Ntd Llc (ga)
Classification: Uncertain significance. Last evaluated: 2017-07-12. Review status: criteria provided, single submitter. Criteria: EGL Classification Definitions 2015. Collection method: clinical testing. Allele origin: germline. Observed: 1 variant allele, 1 heterozygote.

NM_024408.4(NOTCH2):c.4639C>G (p.Leu1547Val)

Gene: NOTCH2 (notch receptor 2; minus strand). Cytogenetic location: 1p12.
Variant type: single nucleotide variant.
Coding change: c.4639C>G on transcript NM_024408.4 (MANE Select); coding-DNA position 4639, C replaced by G.
Protein change: p.Leu1547Val; replaces leucine 1547 with valine.
Molecular consequence: missense variant.
Genome position (GRCh38, 1-based): chr1:119,923,857, G>C on the plus strand (C>G on the coding strand, the complement: NOTCH2 is on the minus strand). VCF-style: chr1-119923857-G-C. GRCh37 (hg19) VCF-style: chr1-120466480-G-C.
Other names: short protein forms L1547V.
Identifiers: ClinVar variation 532028 (VCV000532028.15), dbSNP rs1241715192, ClinGen allele CA341888981.
Genomic context (GRCh38, chr1:119,923,857, plus strand): 5'-GCAAGAAGCTGCGAGCATCCTGGAGCAGTTGTTCAGGTGGCATCAATACCACAATAACCA[G>C]GGTACCTTCTGCCAGGTTCTCAGGTTGGTCAGCAGCACAGTCCAGCCCATCCCAACCACA-3'
Protein context (NP_077719.2, residues 1537-1557): DQPENLAEGT[Leu1547Val]VIVVLMPPEQ